The following is an entry in ClinVar:

NM_002180.3(IGHMBP2):c.2785-154G>A

Gene: IGHMBP2 (immunoglobulin mu DNA binding protein 2; plus strand). Cytogenetic location: 11q13.3.
Variant type: single nucleotide variant.
Coding change: c.2785-154G>A on transcript NM_002180.3 (MANE Select); 154 bases into the intron before coding-DNA position 2785, G replaced by A.
Molecular consequence: intron variant.
Genome position (GRCh38, 1-based): chr11:68,939,380, G>A. VCF-style: chr11-68939380-G-A. GRCh37 (hg19) VCF-style: chr11-68706848-G-A.
Identifiers: ClinVar variation 681883 (VCV000681883.1), dbSNP rs569777, ClinGen allele CA13463182.
Genomic context (GRCh38, chr11:68,939,380, plus strand): 5'-CTGTGTGCACACTCGGGGGCTCCCGCCACACCAGGGTGCAGACCACCCCGCCGCTCTCCC[G>A]CCAGGCAGCCTGCAGGGTGAAGGACTGACATGGCGGGAGGAGTGGCCTTCTCTGTTGGGG-3'

ClinVar aggregate classification (germline): Benign (1 of 4 stars; one submission).

Allele frequency attached by ClinVar (database versions not stated): TOPMed 0.23144; 1000 Genomes Project 0.24661; 1000 Genomes Project 30x 0.24329.
gnomAD v4.1: 38,164 of 152,160 alleles (25%); highest among the groups gnomAD compares: South Asian, 46%; 5,513 homozygotes.

Submission:

GeneDx
Classification: Benign. Last evaluated: 2018-06-14. Review status: criteria provided, single submitter. Criteria: GeneDx Variant Classification (06012015). Collection method: clinical testing. Allele origin: germline. Affected: yes.
Comment: This variant is considered likely benign or benign based on one or more of the following criteria: it is a conservative change, it occurs at a poorly conserved position in the protein, it is predicted to be benign by multiple in silico algorithms, and/or has population frequency not consistent with disease.